The following is an entry in ClinVar:

NM_031483.7(ITCH):c.1259C>T (p.Thr420Ile)

Gene: ITCH (itchy E3 ubiquitin protein ligase; plus strand). Cytogenetic location: 20q11.22.
Variant type: single nucleotide variant.
Coding change: c.1259C>T on transcript NM_031483.7 (MANE Select); coding-DNA position 1259, C replaced by T.
Protein change: p.Thr420Ile; replaces threonine 420 with isoleucine.
Molecular consequence: missense variant.
Genome position (GRCh38, 1-based): chr20:34,457,438, C>T. VCF-style: chr20-34457438-C-T. GRCh37 (hg19) VCF-style: chr20-33045243-C-T.
Other names: c.1382C>T, p.Thr461Ile (NM_001257137.3, NM_001324197.2); c.929C>T, p.Thr310Ile (NM_001257138.3); c.1259C>T, p.Thr420Ile (NM_001324198.2); short protein forms T310I, T461I, T420I.
Identifiers: ClinVar variation 1449620 (VCV001449620.6), dbSNP rs1936034847, ClinGen allele CA408665740.
Genomic context (GRCh38, chr20:34,457,438, plus strand): 5'-CCCTTCCCAAAGAGAAGAGAACAGACAGCAATGGCAGAGTATATTTCGTCAACCACAACA[C>T]ACGAATTACACAATGGGAAGACCCCAGAAGTCAAGGGTAAGAATAGTTACTTGTGTATAT-3'
Protein context (NP_113671.3, residues 410-430): NGRVYFVNHN[Thr420Ile]RITQWEDPRS

ClinVar aggregate classification (germline): Uncertain significance (1 of 4 stars; one submission).

Conditions:
Syndromic multisystem autoimmune disease due to ITCH deficiency. Also called: AUTOIMMUNE DISEASE, MULTISYSTEM, WITH FACIAL DYSMORPHISM. Identifiers: Orphanet 228426, MedGen C3150649, MONDO:0013245, OMIM 613385.

Allele frequency attached by ClinVar (database versions not stated): TOPMed 0.00001.
gnomAD v4.1: 7 of 1,613,496 alleles (0.00043%); highest among the groups gnomAD compares: Non-Finnish European, 0.00051%; no homozygotes.

Submission:

Labcorp Genetics (formerly Invitae), Labcorp
Classification: Uncertain significance for Syndromic multisystem autoimmune disease due to ITCH deficiency. Last evaluated: 2022-02-25. Review status: criteria provided, single submitter. Criteria: Invitae Variant Classification Sherloc (09022015). Collection method: clinical testing. Allele origin: germline.
Comment: In summary, the available evidence is currently insufficient to determine the role of this variant in disease. Therefore, it has been classified as a Variant of Uncertain Significance. This sequence change replaces threonine with isoleucine at codon 420 of the ITCH protein (p.Thr420Ile). The threonine residue is highly conserved and there is a moderate physicochemical difference between threonine and isoleucine. This variant is not present in population databases (gnomAD no frequency). This variant has not been reported in the literature in individuals affected with ITCH-related conditions. Algorithms developed to predict the effect of missense changes on protein structure and function are either unavailable or do not agree on the potential impact of this missense change (SIFT: "Not Available"; PolyPhen-2: "Probably Damaging"; Align-GVGD: "Not Available").